The following is an entry in ClinVar:

NM_001457.4(FLNB):c.6160G>A (p.Asp2054Asn)

Gene: FLNB (filamin B; plus strand). Cytogenetic location: 3p14.3.
Variant type: single nucleotide variant.
Coding change: c.6160G>A on transcript NM_001457.4 (MANE Select); coding-DNA position 6160, G replaced by A.
Protein change: p.Asp2054Asn; replaces aspartic acid 2054 with asparagine.
Molecular consequence: missense variant.
Genome position (GRCh38, 1-based): chr3:58,149,918, G>A. VCF-style: chr3-58149918-G-A. GRCh37 (hg19) VCF-style: chr3-58135645-G-A.
Other names: c.6253G>A, p.Asp2085Asn (NM_001164317.2); c.6127G>A, p.Asp2043Asn (NM_001164318.2); c.6088G>A, p.Asp2030Asn (NM_001164319.2); short protein forms D2030N, D2043N, D2054N, D2085N.
Identifiers: ClinVar variation 1497450 (VCV001497450.8), dbSNP rs765559414, ClinGen allele CA2469262.

ClinVar aggregate classification (germline): Uncertain significance (1 of 4 stars; one submission).

Allele frequency attached by ClinVar (database versions not stated): TOPMed below 0.00001; ExAC 0.00001; gnomAD exomes below 0.00001.
gnomAD v4.1: 1 of 1,614,258 alleles (0.000062%); highest among the groups gnomAD compares: South Asian, 0.0011%; no homozygotes.

Submission:

Labcorp Genetics (formerly Invitae), Labcorp
Classification: Uncertain significance. Last evaluated: 2025-05-05. Review status: criteria provided, single submitter. Criteria: Invitae Variant Classification Sherloc (09022015). Collection method: clinical testing. Allele origin: germline.
Comment: This sequence change replaces aspartic acid, which is acidic and polar, with asparagine, which is neutral and polar, at codon 2054 of the FLNB protein (p.Asp2054Asn). This variant is not present in population databases (gnomAD no frequency). This variant has not been reported in the literature in individuals affected with FLNB-related conditions. ClinVar contains an entry for this variant (Variation ID: 1497450). Invitae Evidence Modeling of protein sequence and biophysical properties (such as structural, functional, and spatial information, amino acid conservation, physicochemical variation, residue mobility, and thermodynamic stability) indicates that this missense variant is not expected to disrupt FLNB protein function with a negative predictive value of 95%. In summary, the available evidence is currently insufficient to determine the role of this variant in disease. Therefore, it has been classified as a Variant of Uncertain Significance.